The following is an entry in ClinVar:

NM_022726.4(ELOVL4):c.298G>A (p.Gly100Arg)

Gene: ELOVL4 (ELOVL fatty acid elongase 4; minus strand). Cytogenetic location: 6q14.1.
Variant type: single nucleotide variant.
Coding change: c.298G>A on transcript NM_022726.4 (MANE Select); coding-DNA position 298, G replaced by A.
Protein change: p.Gly100Arg; replaces glycine 100 with arginine.
Molecular consequence: missense variant.
Genome position (GRCh38, 1-based): chr6:79,925,023, C>T on the plus strand (G>A on the coding strand, the complement: ELOVL4 is on the minus strand). VCF-style: chr6-79925023-C-T. GRCh37 (hg19) VCF-style: chr6-80634740-C-T.
Other names: short protein forms G100R.
Identifiers: ClinVar variation 4742656 (VCV004742656.1).

ClinVar aggregate classification (germline): Uncertain significance (1 of 4 stars; one submission).

Submission:

Labcorp Genetics (formerly Invitae), Labcorp
Classification: Uncertain significance. Last evaluated: 2025-08-30. Review status: criteria provided, single submitter. Criteria: Invitae Variant Classification Sherloc (09022015). Collection method: clinical testing. Allele origin: germline.
Comment: This sequence change replaces glycine, which is neutral and non-polar, with arginine, which is basic and polar, at codon 100 of the ELOVL4 protein (p.Gly100Arg). This variant is not present in population databases (gnomAD no frequency). This variant has not been reported in the literature in individuals affected with ELOVL4-related conditions. Invitae Evidence Modeling of protein sequence and biophysical properties (such as structural, functional, and spatial information, amino acid conservation, physicochemical variation, residue mobility, and thermodynamic stability) indicates that this missense variant is not expected to disrupt ELOVL4 protein function with a negative predictive value of 80%. In summary, the available evidence is currently insufficient to determine the role of this variant in disease. Therefore, it has been classified as a Variant of Uncertain Significance.